The following is an entry in ClinVar:

ClinVar aggregate classification (germline): Conflicting classifications of pathogenicity. Review status: criteria provided, conflicting classifications (1 of 4 stars). 4 submissions from 4 submitters: Uncertain significance (1); Likely benign (3). Last evaluated 2025-01-07.

Conditions:
Triosephosphate isomerase deficiency (TPID). Also called: Triose phosphate isomerase deficiency. Identifiers: Orphanet 868, MedGen C1860808, MONDO:0014221, OMIM 615512.

Allele frequency attached by ClinVar (database versions not stated): ESP Exome Variant Server 0.00031; 1000 Genomes Project 30x 0.00406; 1000 Genomes Project 0.00439.
gnomAD v4.1: 1,346 of 1,608,602 alleles (0.084%); highest among the groups gnomAD compares: South Asian, 0.82%; 13 homozygotes.

Submissions (4):

ARUP Laboratories, Molecular Genetics and Genomics, ARUP Laboratories
Classification: Likely benign for Triosephosphate isomerase deficiency. Last evaluated: 2025-01-07. Review status: criteria provided, single submitter. Criteria: ARUP Molecular Germline Variant Investigation Process 2024. Collection method: clinical testing. Allele origin: germline.

Blueprint Genetics
Classification: Likely benign. Last evaluated: 2024-11-27. Review status: criteria provided, single submitter. Criteria: ACMG Guidelines, 2015. Collection method: clinical testing. Allele origin: germline.

CeGaT Center for Human Genetics Tuebingen
Classification: Likely benign. Last evaluated: 2024-06-01. Review status: criteria provided, single submitter. Criteria: CeGaT Center For Human Genetics Tuebingen Variant Classification Criteria Version 2. Collection method: clinical testing. Allele origin: germline. Affected: yes. Observed: 2 variant alleles.
Comment: TPI1: BP4, BS2

Breakthrough Genomics
Classification: Uncertain significance. Review status: criteria provided, single submitter. Criteria: ACMG Guidelines, 2015. Collection method: not provided. Allele origin: germline. Inheritance: Autosomal recessive inheritance. Affected: yes.

NM_000365.6(TPI1):c.-29C>G

Gene: TPI1 (triosephosphate isomerase 1; plus strand). Cytogenetic location: 12p13.31.
Variant type: single nucleotide variant.
Coding change: c.-29C>G on transcript NM_000365.6 (MANE Select); 29 bases upstream of the start codon, C replaced by G.
Molecular consequence: 5 prime UTR variant. On other transcripts: missense variant (1).
Genome position (GRCh38, 1-based): chr12:6,867,538, C>G. VCF-style: chr12-6867538-C-G. GRCh37 (hg19) VCF-style: chr12-6976702-C-G.
Other names: c.83C>G, p.Thr28Ser (NM_001159287.1); short protein forms T28S.
Identifiers: ClinVar variation 1330976 (VCV001330976.32), dbSNP rs181882616, ClinGen allele CA6418765.